The following is an entry in ClinVar:

NM_022367.4(SEMA4A):c.1802C>T (p.Ala601Val)

Gene: SEMA4A (semaphorin 4A; plus strand). Cytogenetic location: 1q22.
Variant type: single nucleotide variant.
Coding change: c.1802C>T on transcript NM_022367.4 (MANE Select); coding-DNA position 1802, C replaced by T.
Protein change: p.Ala601Val; replaces alanine 601 with valine.
Molecular consequence: missense variant.
Genome position (GRCh38, 1-based): chr1:156,176,513, C>T. VCF-style: chr1-156176513-C-T. GRCh37 (hg19) VCF-style: chr1-156146304-C-T.
Other names: c.1802C>T, p.Ala601Val (NM_001193300.2, NM_001193301.2, NM_001370567.1); c.1406C>T, p.Ala469Val (NM_001193302.2); c.1505C>T, p.Ala502Val (NM_001370568.1); c.1295C>T, p.Ala432Val (NM_001370569.1, NM_001370571.1); short protein forms A502V, A601V, A432V, A469V.
Identifiers: ClinVar variation 3658046 (VCV003658046.2).

ClinVar aggregate classification (germline): Uncertain significance (1 of 4 stars; one submission).

gnomAD v4.1: 1 of 1,614,158 alleles (0.000062%); highest among the groups gnomAD compares: Non-Finnish European, 0.000085%; no homozygotes.

Submission:

Labcorp Genetics (formerly Invitae), Labcorp
Classification: Uncertain significance. Last evaluated: 2024-10-03. Review status: criteria provided, single submitter. Criteria: Invitae Variant Classification Sherloc (09022015). Collection method: clinical testing. Allele origin: germline.
Comment: This sequence change replaces alanine, which is neutral and non-polar, with valine, which is neutral and non-polar, at codon 601 of the SEMA4A protein (p.Ala601Val). This variant is not present in population databases (gnomAD no frequency). This variant has not been reported in the literature in individuals affected with SEMA4A-related conditions. Invitae Evidence Modeling of protein sequence and biophysical properties (such as structural, functional, and spatial information, amino acid conservation, physicochemical variation, residue mobility, and thermodynamic stability) indicates that this missense variant is not expected to disrupt SEMA4A protein function with a negative predictive value of 80%. In summary, the available evidence is currently insufficient to determine the role of this variant in disease. Therefore, it has been classified as a Variant of Uncertain Significance.